The following is an entry in ClinVar:

ClinVar aggregate classification (germline): Uncertain significance. Review status: criteria provided, multiple submitters, no conflicts (2 of 4 stars). 2 submissions from 2 submitters: Uncertain significance (2). Last evaluated 2025-08-04.

Conditions:
LAMA2-related muscular dystrophy (LAMA2-RD). Also called: Laminin alpha 2-related dystrophy. Identifiers: MedGen C5679788, MONDO:0100228.

Allele frequency attached by ClinVar (database versions not stated): TOPMed below 0.00001.
gnomAD v4.1: 1 of 1,613,908 alleles (0.000062%); no homozygotes.

Submissions (2):

Labcorp Genetics (formerly Invitae), Labcorp
Classification: Uncertain significance for LAMA2-related muscular dystrophy. Last evaluated: 2025-08-04. Review status: criteria provided, single submitter. Criteria: Invitae Variant Classification Sherloc (09022015). Collection method: clinical testing. Allele origin: germline.
Comment: This sequence change replaces alanine, which is neutral and non-polar, with threonine, which is neutral and polar, at codon 941 of the LAMA2 protein (p.Ala941Thr). This variant is not present in population databases (gnomAD no frequency). This variant has not been reported in the literature in individuals affected with LAMA2-related conditions. ClinVar contains an entry for this variant (Variation ID: 2157601). Invitae Evidence Modeling of protein sequence and biophysical properties (such as structural, functional, and spatial information, amino acid conservation, physicochemical variation, residue mobility, and thermodynamic stability) indicates that this missense variant is not expected to disrupt LAMA2 protein function with a negative predictive value of 95%. In summary, the available evidence is currently insufficient to determine the role of this variant in disease. Therefore, it has been classified as a Variant of Uncertain Significance.

Blueprint Genetics
Classification: Uncertain significance. Last evaluated: 2023-04-24. Review status: criteria provided, single submitter. Criteria: ACMG Guidelines, 2015. Collection method: clinical testing. Allele origin: germline.

NM_000426.4(LAMA2):c.2821G>A (p.Ala941Thr)

Gene: LAMA2 (laminin subunit alpha 2; plus strand). Cytogenetic location: 6q22.33.
Variant type: single nucleotide variant.
Coding change: c.2821G>A on transcript NM_000426.4 (MANE Select); coding-DNA position 2821, G replaced by A.
Protein change: p.Ala941Thr; replaces alanine 941 with threonine.
Molecular consequence: missense variant.
Genome position (GRCh38, 1-based): chr6:129,291,685, G>A. VCF-style: chr6-129291685-G-A. GRCh37 (hg19) VCF-style: chr6-129612830-G-A.
Other names: c.2821G>A, p.Ala941Thr (NM_001079823.2); short protein forms A941T.
Identifiers: ClinVar variation 2157601 (VCV002157601.5), dbSNP rs1789711696, ClinGen allele CA365610816.